The following is an entry in ClinVar:

NM_015450.3(POT1):c.1370-8_1370-6del

Gene: POT1 (protection of telomeres 1; minus strand). Cytogenetic location: 7q31.33.
Variant type: Deletion.
Coding change: c.1370-8_1370-6del on transcript NM_015450.3 (MANE Select); 8 bases into the intron before coding-DNA position 1370 through 6 bases into the intron before coding-DNA position 1370, 3 bases deleted (CTT; older notation c.1370-8_1370-6delCTT).
Molecular consequence: intron variant.
Genome position (GRCh38, 1-based): chr7:124,835,420-124,835,422, AAG deleted on the plus strand (CTT on the coding strand, the reverse complement: POT1 is on the minus strand); deleting any 3 consecutive bases within chr7:124,835,420-124,835,423 gives the same sequence; the c. name uses the placement nearest the transcript's 3' end. VCF-style (leftmost placement, unchanged base first): chr7-124835419-TAAG-T. GRCh37 (hg19) VCF-style: chr7-124475473-TAAG-T.
Other names: c.1370-8_1370-6delCTT (NM_015450.2); c.977-8_977-6del (NM_001042594.2).
Identifiers: ClinVar variation 475042 (VCV000475042.10), dbSNP rs1158098049, ClinGen allele CA577287891.

ClinVar aggregate classification (germline): Uncertain significance (1 of 4 stars; one submission).

Conditions:
Tumor predisposition syndrome 3 (TPDS3). Also called: Glioma susceptibility 9; LONG TELOMERE SYNDROME, POT1-RELATED; POT1 Tumor Predisposition; Melanoma, cutaneous malignant, susceptibility to, 10. Identifiers: Orphanet 618, MedGen C4014476, MONDO:0014368, OMIM 615848.

Submission:

Labcorp Genetics (formerly Invitae), Labcorp
Classification: Uncertain significance for Tumor predisposition syndrome 3. Last evaluated: 2025-11-19. Review status: criteria provided, single submitter. Criteria: Invitae Variant Classification Sherloc (09022015). Collection method: clinical testing. Allele origin: germline.
Comment: This sequence change falls in intron 14 of the POT1 gene. It does not directly change the encoded amino acid sequence of the POT1 protein. This variant is present in population databases (no rsID available, gnomAD 0.0009%). This variant has not been reported in the literature in individuals affected with POT1-related conditions. ClinVar contains an entry for this variant (Variation ID: 475042). Studies have shown that this variant is associated with inconclusive levels of altered splicing (internal data). In summary, the available evidence is currently insufficient to determine the role of this variant in disease. Therefore, it has been classified as a Variant of Uncertain Significance.